The following is an entry in ClinVar:

ClinVar aggregate classification (germline): Uncertain significance (1 of 4 stars; one submission).

Conditions:
Immunodeficiency 104. Also called: Severe Combined Immune Deficiency, Autosomal Recessive, TCell -Negative, B Cell-Positive, NK Cell-Positive, IL7R-Related; IMMUNODEFICIENCY 104, SEVERE COMBINED; SCID, AUTOSOMAL RECESSIVE, T CELL-NEGATIVE, B CELL-POSITIVE, NK CELL-POSITIVE; Severe combined immunodeficiency, autosomal recessive, T cell-negative, B cell-positive, NK cell-positive. Identifiers: MedGen C5676890, MONDO:0012163, OMIM 608971.

Allele frequency attached by ClinVar (database versions not stated): TOPMed 0.00002.
gnomAD v4.1: 43 of 1,614,018 alleles (0.0027%); highest among the groups gnomAD compares: South Asian, 0.031%; no homozygotes.

Submission:

Labcorp Genetics (formerly Invitae), Labcorp
Classification: Uncertain significance for Immunodeficiency 104. Last evaluated: 2022-02-02. Review status: criteria provided, single submitter. Criteria: Invitae Variant Classification Sherloc (09022015). Collection method: clinical testing. Allele origin: germline.
Comment: This sequence change replaces asparagine, which is neutral and polar, with serine, which is neutral and polar, at codon 348 of the IL7R protein (p.Asn348Ser). This variant is present in population databases (rs41270321, gnomAD 0.02%). This variant has not been reported in the literature in individuals affected with IL7R-related conditions. ClinVar contains an entry for this variant (Variation ID: 567762). Advanced modeling of protein sequence and biophysical properties (such as structural, functional, and spatial information, amino acid conservation, physicochemical variation, residue mobility, and thermodynamic stability) performed at Invitae indicates that this missense variant is not expected to disrupt IL7R protein function. In summary, the available evidence is currently insufficient to determine the role of this variant in disease. Therefore, it has been classified as a Variant of Uncertain Significance.

NM_002185.5(IL7R):c.1043A>G (p.Asn348Ser)

Gene: IL7R (interleukin 7 receptor; plus strand). Cytogenetic location: 5p13.2.
Variant type: single nucleotide variant.
Coding change: c.1043A>G on transcript NM_002185.5 (MANE Select); coding-DNA position 1043, A replaced by G.
Protein change: p.Asn348Ser; replaces asparagine 348 with serine.
Molecular consequence: missense variant. On other transcripts: non-coding transcript variant (1).
Genome position (GRCh38, 1-based): chr5:35,876,149, A>G. VCF-style: chr5-35876149-A-G. GRCh37 (hg19) VCF-style: chr5-35876251-A-G.
Other names: short protein forms N348S.
Identifiers: ClinVar variation 567762 (VCV000567762.8), dbSNP rs41270321, ClinGen allele CA3232187.